The following is an entry in ClinVar:

NM_170675.5(MEIS2):c.470A>G (p.His157Arg)

Gene: MEIS2 (Meis homeobox 2; minus strand). Cytogenetic location: 15q14.
Variant type: single nucleotide variant.
Coding change: c.470A>G on transcript NM_170675.5 (MANE Select); coding-DNA position 470, A replaced by G.
Protein change: p.His157Arg; replaces histidine 157 with arginine.
Molecular consequence: missense variant. On other transcripts: non-coding transcript variant (1).
Genome position (GRCh38, 1-based): chr15:37,094,546, T>C on the plus strand (A>G on the coding strand, the complement: MEIS2 is on the minus strand). VCF-style: chr15-37094546-T-C. GRCh37 (hg19) VCF-style: chr15-37386747-T-C.
Other names: c.470A>G, p.His157Arg (NM_001220482.2, NM_170674.5, NM_170676.5 and 1 more transcripts); c.431A>G, p.His144Arg (NM_002399.4, NM_172315.3); c.206A>G, p.His69Arg (NM_172316.3); short protein forms H144R, H157R, H69R.
Identifiers: ClinVar variation 4855046 (VCV004855046.1).
Genomic context (GRCh38, chr15:37,094,546, plus strand): 5'-AAATGGTTTAATCAACACGGGGAGCGTTATTTCCTGCTTACCTTTTCTAACTCCAAAAGA[T>C]GAAACCTTAGTACTTGTATTGCTTGTATCATCTGAAAGAAAAGTTCAGGGAATGGAGTTA-3'
Protein context (NP_733775.1, residues 147-167): MIQAIQVLRF[His157Arg]LLELEKVHEL

ClinVar aggregate classification (germline): Uncertain significance (1 of 4 stars; one submission).

Conditions:
Cardiac malformation, cleft lip/palate, microcephaly, and digital anomalies. Also called: CLEFT PALATE, CARDIAC DEFECTS, AND IMPAIRED INTELLECTUAL DEVELOPMENT. Identifiers: MedGen C1832950, MONDO:0010970, OMIM 600987.

Submission:

3billion
Classification: Uncertain significance for Cardiac malformation, cleft lip/palate, microcephaly, and digital anomalies. Last evaluated: 2025-07-09. Review status: criteria provided, single submitter. Criteria: ACMG Guidelines, 2015. Collection method: clinical testing. Allele origin: germline. Affected: yes.
Comment: The variant is not observed in the gnomAD v4.1.0 dataset. Predicted Consequence/Location: Missense variant In silico tool predictions suggest damaging effect of the variant on gene or gene product [REVEL: 0.76 (>=0.6, sensitivity 0.68 and specificity 0.92); 3Cnet: 0.99 (> 0.75, sensitivity 0.96 and precision 0.92)]. Therefore, this variant is classified as VUS according to the recommendation of ACMG/AMP guideline.